The following is an entry in ClinVar:

ClinVar aggregate classification (germline): Uncertain significance. Review status: criteria provided, multiple submitters, no conflicts (2 of 4 stars). 2 submissions from 2 submitters: Uncertain significance (2). Last evaluated 2023-11-27.

Allele frequency attached by ClinVar (database versions not stated): gnomAD exomes below 0.00001; gnomAD 0.00001; TOPMed 0.00001.
gnomAD v4.1: 4 of 1,603,644 alleles (0.00025%); highest among the groups gnomAD compares: Admixed American, 0.0051%; no homozygotes.

Submissions (2):

Labcorp Genetics (formerly Invitae), Labcorp
Classification: Uncertain significance. Last evaluated: 2023-11-27. Review status: criteria provided, single submitter. Criteria: Invitae Variant Classification Sherloc (09022015). Collection method: clinical testing. Allele origin: germline.
Comment: This sequence change replaces tryptophan, which is neutral and slightly polar, with cysteine, which is neutral and slightly polar, at codon 412 of the LCA5 protein (p.Trp412Cys). This variant is present in population databases (rs761872177, gnomAD 0.006%). This variant has not been reported in the literature in individuals affected with LCA5-related conditions. ClinVar contains an entry for this variant (Variation ID: 1418048). Advanced modeling of protein sequence and biophysical properties (such as structural, functional, and spatial information, amino acid conservation, physicochemical variation, residue mobility, and thermodynamic stability) performed at Invitae indicates that this missense variant is expected to disrupt LCA5 protein function with a positive predictive value of 80%. In summary, the available evidence is currently insufficient to determine the role of this variant in disease. Therefore, it has been classified as a Variant of Uncertain Significance.

Blueprint Genetics
Classification: Uncertain significance. Last evaluated: 2018-10-23. Review status: criteria provided, single submitter. Criteria: ACMG Guidelines, 2015. Collection method: clinical testing. Allele origin: germline.

NM_001122769.3(LCA5):c.1236G>C (p.Trp412Cys)

Gene: LCA5 (lebercilin LCA5; minus strand). Cytogenetic location: 6q14.1.
Variant type: single nucleotide variant.
Coding change: c.1236G>C on transcript NM_001122769.3 (MANE Select); coding-DNA position 1236, G replaced by C.
Protein change: p.Trp412Cys; replaces tryptophan 412 with cysteine.
Molecular consequence: missense variant.
Genome position (GRCh38, 1-based): chr6:79,487,862, C>G on the plus strand (G>C on the coding strand, the complement: LCA5 is on the minus strand). VCF-style: chr6-79487862-C-G. GRCh37 (hg19) VCF-style: chr6-80197579-C-G.
Other names: c.1236G>C, p.Trp412Cys (NM_181714.4); short protein forms W412C.
Identifiers: ClinVar variation 1418048 (VCV001418048.7), dbSNP rs761872177, ClinGen allele CA3900862.